The following is an entry in ClinVar:

NM_001103.4(ACTN2):c.1731C>T (p.Ala577=)

Gene: ACTN2 (actinin alpha 2; plus strand). Cytogenetic location: 1q43.
Variant type: single nucleotide variant.
Coding change: c.1731C>T on transcript NM_001103.4 (MANE Select); coding-DNA position 1731, C replaced by T.
Protein change: p.Ala577=; no amino-acid change (alanine 577 retained).
Molecular consequence: synonymous variant.
Genome position (GRCh38, 1-based): chr1:236,751,544, C>T. VCF-style: chr1-236751544-C-T. GRCh37 (hg19) VCF-style: chr1-236914844-C-T.
Other names: c.1731C>T (NM_001103.2, NM_001103.3); c.1731C>T, p.Ala577= (NM_001278343.2); c.1107C>T, p.Ala369= (NM_001278344.2).
Identifiers: ClinVar variation 1125880 (VCV001125880.15), dbSNP rs750405065, ClinGen allele CA1473239.

ClinVar aggregate classification (germline): Likely benign. Review status: criteria provided, multiple submitters, no conflicts (2 of 4 stars). 3 submissions from 3 submitters: Likely benign (2). 1 of the submissions does not count toward it. Last evaluated 2025-03-05.

Conditions:
Cardiovascular phenotype. Identifiers: MedGen CN230736.
Dilated cardiomyopathy 1AA (CMD1AA). Also called: CARDIOMYOPATHY, DILATED, 1AA, WITH OR WITHOUT LEFT VENTRICULAR NONCOMPACTION; CARDIOMYOPATHY, FAMILIAL HYPERTROPHIC, 23, WITH OR WITHOUT LEFT VENTRICULAR NONCOMPACTION; Cardiomyopathy, dilated, 1AA, with or without LVNC. Identifiers: Orphanet 154, MedGen C2677338, MONDO:0012808, OMIM 612158.
Primary familial hypertrophic cardiomyopathy (HCM). Identifiers: Orphanet 99739, MedGen C0949658, MeSH D024741, MONDO:0024573. Inheritance: Various modes of inheritance.
ACTN2-related disorder. Also called: ACTN2 related condition; ACTN2-related disorders.

Allele frequency attached by ClinVar (database versions not stated): ExAC 0.00001; gnomAD exomes 0.00002 and 0.00005.
gnomAD v4.1: 64 of 1,614,074 alleles (0.004%); highest among the groups gnomAD compares: Non-Finnish European, 0.0053%; no homozygotes.

Submissions (3):

Labcorp Genetics (formerly Invitae), Labcorp
Classification: Likely benign for Primary familial hypertrophic cardiomyopathy; Dilated cardiomyopathy 1AA. Last evaluated: 2025-03-05. Review status: criteria provided, single submitter. Criteria: Invitae Variant Classification Sherloc (09022015). Collection method: clinical testing. Allele origin: germline.

Ambry Genetics
Classification: Likely benign for Cardiovascular phenotype. Last evaluated: 2023-06-05. Review status: criteria provided, single submitter. Criteria: Ambry Variant Classification Scheme 2023. Collection method: clinical testing. Allele origin: germline.

PreventionGenetics, part of Exact Sciences
Classification: Likely benign for ACTN2-related condition. Last evaluated: 2020-05-01. Review status: no assertion criteria provided. Collection method: clinical testing. Allele origin: germline. Not counted in ClinVar's aggregate classification.
Comment: This variant is classified as likely benign based on ACMG/AMP sequence variant interpretation guidelines (Richards et al. 2015 PMID: 25741868, with internal and published modifications).